The following is an entry in ClinVar:

NM_000038.6(APC):c.4148T>C (p.Met1383Thr)

Gene: APC (APC regulator of Wnt signaling pathway; plus strand). Cytogenetic location: 5q22.2.
Variant type: single nucleotide variant.
Coding change: c.4148T>C on transcript NM_000038.6 (MANE Select); coding-DNA position 4148, T replaced by C.
Protein change: p.Met1383Thr; replaces methionine 1383 with threonine.
Molecular consequence: missense variant.
Genome position (GRCh38, 1-based): chr5:112,839,742, T>C. VCF-style: chr5-112839742-T-C. GRCh37 (hg19) VCF-style: chr5-112175439-T-C.
Other names: c.4148T>C (NM_000038.5); c.4148T>C, p.Met1383Thr (NM_001127510.3, NM_001354895.2, NM_001407450.1); c.4094T>C, p.Met1365Thr (NM_001127511.3); c.4202T>C, p.Met1401Thr (NM_001354896.2, NM_001407447.1, NM_001407448.1 and 1 more transcripts); c.4178T>C, p.Met1393Thr (NM_001354897.2); c.4073T>C, p.Met1358Thr (NM_001354898.2); c.4064T>C, p.Met1355Thr (NM_001354899.2); c.4025T>C, p.Met1342Thr (NM_001354900.2); and 12 more; short protein forms M1254T, M1300T, M1342T, M1358T, M1365T, M1373T, M1393T, M1292T.
Identifiers: ClinVar variation 2085175 (VCV002085175.6), dbSNP rs1197329911, ClinGen allele CA16030416.

ClinVar aggregate classification (germline): Uncertain significance. Review status: criteria provided, multiple submitters, no conflicts (2 of 4 stars). 3 submissions from 3 submitters: Uncertain significance (3). Last evaluated 2025-11-17.

Conditions:
Familial adenomatous polyposis 1 (FAP1). Also called: FAMILIAL ADENOMATOUS POLYPOSIS 1, ATTENUATED; POLYPOSIS, ADENOMATOUS INTESTINAL. Identifiers: MedGen C2713442, MONDO:0021056, OMIM 175100. Disease mechanism: loss of function.
Hereditary cancer-predisposing syndrome. Also called: Tumor predisposition; Neoplastic Syndromes, Hereditary; Hereditary Cancer Syndrome; Hereditary neoplastic syndrome. Identifiers: Orphanet 140162, MedGen C0027672, MeSH D009386, MONDO:0015356.

Allele frequency attached by ClinVar (database versions not stated): TOPMed below 0.00001; gnomAD 0.00001.

Submissions (3):

Labcorp Genetics (formerly Invitae), Labcorp
Classification: Uncertain significance for Familial adenomatous polyposis 1. Last evaluated: 2025-11-17. Review status: criteria provided, single submitter. Criteria: Invitae Variant Classification Sherloc (09022015). Collection method: clinical testing. Allele origin: germline.
Comment: This sequence change replaces methionine, which is neutral and non-polar, with threonine, which is neutral and polar, at codon 1383 of the APC protein (p.Met1383Thr). This variant is not present in population databases (gnomAD no frequency). This variant has not been reported in the literature in individuals affected with APC-related conditions. ClinVar contains an entry for this variant (Variation ID: 2085175). Invitae Evidence Modeling of protein sequence and biophysical properties (such as structural, functional, and spatial information, amino acid conservation, physicochemical variation, residue mobility, and thermodynamic stability) indicates that this missense variant is not expected to disrupt APC protein function with a negative predictive value of 95%. In summary, the available evidence is currently insufficient to determine the role of this variant in disease. Therefore, it has been classified as a Variant of Uncertain Significance.

Ambry Genetics
Classification: Uncertain significance for Hereditary cancer-predisposing syndrome. Last evaluated: 2024-12-02. Review status: criteria provided, single submitter. Criteria: Ambry Variant Classification Scheme 2023. Collection method: clinical testing. Allele origin: germline.
Comment: The p.M1383T variant (also known as c.4148T>C), located in coding exon 15 of the APC gene, results from a T to C substitution at nucleotide position 4148. The methionine at codon 1383 is replaced by threonine, an amino acid with similar properties. This amino acid position is conserved. In addition, in silico predictors for this gene do not accurately predict pathogenicity. Based on the available evidence, the clinical significance of this variant remains unclear.

Baylor Genetics
Classification: Uncertain significance for Familial adenomatous polyposis 1. Last evaluated: 2024-03-29. Review status: criteria provided, single submitter. Criteria: ACMG Guidelines, 2015. Collection method: clinical testing. Allele origin: unknown.